The following is an entry in ClinVar:

ClinVar aggregate classification (germline): Conflicting classifications of pathogenicity. Review status: criteria provided, conflicting classifications (1 of 4 stars). 2 submissions from 2 submitters: Likely pathogenic (1); Uncertain significance (1). Last evaluated 2026-07-10.

Conditions:
Baraitser-Winter syndrome 1 (BRWS1). Also called: Cerebrofrontofacial syndrome; BARAITSER-WINTER SYNDROME 1, ATYPICAL; PACHYGYRIA, MENTAL RETARDATION, EPILEPSY, AND CHARACTERISTIC FACIES; MENTAL RETARDATION WITH EPILEPSY AND CHARACTERISTIC FACIES. Identifiers: Orphanet 2649, Orphanet 2995, MedGen C1855722, MONDO:0009470, OMIM 243310.

Submissions (2):

Victorian Clinical Genetics Services, Murdoch Childrens Research Institute
Classification: Likely pathogenic for Baraitser-Winter syndrome 1. Last evaluated: 2026-07-10. Review status: criteria provided, single submitter. Criteria: ACMG Guidelines, 2015. Collection method: clinical testing. Allele origin: germline. Affected: yes.
Comment: This variant is classified as Likely pathogenic. Evidence in support of pathogenic classification: Variant is absent from gnomAD (v2, v3 and v4); Missense variant in a region that is highly intolerant to missense variation (high constraint region in gnomAD); Additional information: Variant is predicted to result in a missense amino acid change from glutamic acid to lycine; This gene is associated with autosomal dominant disease; Previous evidence of pathogenicity for this variant is inconclusive. It has been classified once as a variant of uncertain significance by a clinical laboratory (ClinVar); No published segregation evidence has been identified for this variant; No published functional evidence has been identified for this variant; Another missense variant comparable to the one identified in this case has inconclusive previous evidence for pathogenicity. p.(Glu57Ala) has been classified once as a variant of uncertain significance by a clinical laboratory (ClinVar); Missense variant with conflicting in silico predictions and uninformative conservation; Loss of function is a known mechanism of disease in this gene and is associated with thrombocytopenia 8, with dysmorphic features and developmental delay (MIM#620475). Gain of function, dominant negative and loss of function are suggested mechanisms for variants associated with Baraitser-Winter syndrome (MIM#243310; PMID: 29220674). The mechanism of dystonia-deafness syndrome 1 (MIM#607371) caused by the recurring p.(Arg183Trp) variant is unclear, however, gain of function has been suggested (PMID: 25255767); Variants in this gene are known to have variable expressivity. High clinical variability has been observed between individuals with Baraitser-Winter syndrome who harbour the same variant (PMID: 26583190, PMID: 30315159).

Centre of Medical Genetics, University Hospital Muenster
Classification: Uncertain significance. Last evaluated: 2021-12-17. Review status: criteria provided, single submitter. Criteria: ACMG Guidelines, 2015. Collection method: clinical testing. Allele origin: unknown. Affected: yes. Observed: 1 variant allele, 1 heterozygote.
Comment: ACMG categories: PM2,PP2,PP3

Literature cited by the submitters: PubMed 26583190 (cited by Victorian Clinical Genetics Services, Murdoch Childrens Research Institute); PubMed 29220674 (cited by Victorian Clinical Genetics Services, Murdoch Childrens Research Institute); PubMed 30315159 (cited by Victorian Clinical Genetics Services, Murdoch Childrens Research Institute); PubMed 25255767 (cited by Victorian Clinical Genetics Services, Murdoch Childrens Research Institute).

NM_001101.5(ACTB):c.169G>A (p.Glu57Lys)

Gene: ACTB (actin beta; minus strand). Cytogenetic location: 7p22.1.
Variant type: single nucleotide variant.
Coding change: c.169G>A on transcript NM_001101.5 (MANE Select); coding-DNA position 169, G replaced by A.
Protein change: p.Glu57Lys; replaces glutamic acid 57 with lysine.
Molecular consequence: missense variant.
Genome position (GRCh38, 1-based): chr7:5,529,355, C>T on the plus strand (G>A on the coding strand, the complement: ACTB is on the minus strand). VCF-style: chr7-5529355-C-T. GRCh37 (hg19) VCF-style: chr7-5568986-C-T.
Other names: short protein forms E57K.
Identifiers: ClinVar variation 1708380 (VCV001708380.4), dbSNP rs2533850469, ClinGen allele CA366706189.